The following is an entry in ClinVar:

NM_024422.6(DSC2):c.1676G>A (p.Cys559Tyr)

Gene: DSC2 (desmocollin 2; minus strand). Cytogenetic location: 18q12.1.
Variant type: single nucleotide variant.
Coding change: c.1676G>A on transcript NM_024422.6 (MANE Select); coding-DNA position 1676, G replaced by A.
Protein change: p.Cys559Tyr; replaces cysteine 559 with tyrosine.
Molecular consequence: missense variant.
Genome position (GRCh38, 1-based): chr18:31,074,895, C>T on the plus strand (G>A on the coding strand, the complement: DSC2 is on the minus strand). VCF-style: chr18-31074895-C-T. GRCh37 (hg19) VCF-style: chr18-28654861-C-T.
Other names: c.1676G>A, p.Cys559Tyr (NM_004949.5); short protein forms C559Y.
Identifiers: ClinVar variation 1518395 (VCV001518395.7), dbSNP rs773866217, ClinGen allele CA032772.

ClinVar aggregate classification (germline): Uncertain significance. Review status: criteria provided, multiple submitters, no conflicts (2 of 4 stars). 2 submissions from 2 submitters: Uncertain significance (2). Last evaluated 2025-12-18.

Conditions:
Arrhythmogenic right ventricular dysplasia 11. Also called: ARRHYTHMOGENIC RIGHT VENTRICULAR DYSPLASIA, FAMILIAL, 11; Arrhythmogenic Right Ventricular Dysplasia/Cardiomyopathy11; Arrhythmogenic right ventricular dysplasia 11 with mild palmoplantar keratoderma and woolly hair. Identifiers: MedGen C1864850, MONDO:0012506, OMIM 610476.

Allele frequency attached by ClinVar (database versions not stated): gnomAD exomes below 0.00001 and 0.00001; TOPMed below 0.00001; ExAC 0.00001.
gnomAD v4.1: 3 of 1,613,692 alleles (0.00019%); highest among the groups gnomAD compares: Non-Finnish European, 0.00025%; no homozygotes.

Submissions (2):

Labcorp Genetics (formerly Invitae), Labcorp
Classification: Uncertain significance for Arrhythmogenic right ventricular dysplasia 11. Last evaluated: 2025-12-18. Review status: criteria provided, single submitter. Criteria: Invitae Variant Classification Sherloc (09022015). Collection method: clinical testing. Allele origin: germline.
Comment: This sequence change replaces cysteine, which is neutral and slightly polar, with tyrosine, which is neutral and polar, at codon 559 of the DSC2 protein (p.Cys559Tyr). This variant is present in population databases (rs773866217, gnomAD 0.0009%). This missense change has been observed in individual(s) with DSC2-related conditions (PMID: 38254962). ClinVar contains an entry for this variant (Variation ID: 1518395). Invitae Evidence Modeling of protein sequence and biophysical properties (such as structural, functional, and spatial information, amino acid conservation, physicochemical variation, residue mobility, and thermodynamic stability) indicates that this missense variant is expected to disrupt DSC2 protein function with a positive predictive value of 80%. In summary, the available evidence is currently insufficient to determine the role of this variant in disease. Therefore, it has been classified as a Variant of Uncertain Significance.

Blueprint Genetics
Classification: Uncertain significance. Last evaluated: 2022-06-02. Review status: criteria provided, single submitter. Criteria: ACMG Guidelines, 2015. Collection method: clinical testing. Allele origin: germline.

Literature cited by the submitters: PubMed 38254962 (cited by Labcorp Genetics (formerly Invitae), Labcorp).